The following is an entry in ClinVar:

ClinVar aggregate classification (germline): Uncertain significance (1 of 4 stars; one submission).

Submission:

Labcorp Genetics (formerly Invitae), Labcorp
Classification: Uncertain significance. Last evaluated: 2020-01-07. Review status: criteria provided, single submitter. Criteria: Invitae Variant Classification Sherloc (09022015). Collection method: clinical testing. Allele origin: germline.
Comment: This variant is an in-frame deletion of the genomic region encompassing 13-19 of the EYS gene. It preserves the integrity of the reading frame. This variant has not been reported in the literature in individuals with EYS-related conditions. This variant disrupts the p.Cys837 and Gly843 amino acid residues in EYS. Other variant(s) that disrupt these residues have been observed in individuals with EYS-related conditions (PMID: 25356976, 29785639), which suggests that these may be clinically significant amino acid residues. In summary, the available evidence is currently insufficient to determine the role of this variant in disease. Therefore, it has been classified as a Variant of Uncertain Significance.

Literature cited by the submitters: PubMed 25356976; PubMed 29785639.

NC_000006.12:g.(?_64886697)_(65057727_?)del

Gene: EYS (eyes shut homolog; minus strand). Cytogenetic location: 6q12.
Variant type: Deletion.
Identifiers: ClinVar variation 832728 (VCV000832728.1).